The following is an entry in ClinVar:

ClinVar aggregate classification (germline): Benign. Review status: reviewed by expert panel (3 of 4 stars). 9 submissions from 9 submitters: Benign (1). 8 of the submissions do not count toward it. Last evaluated 2023-02-23.

Conditions:
Creatine transporter deficiency (CCDS1). Also called: Creatine Transporter (CRTR) Deficiency; Mental retardation , X-linked with seizures, short stature and midface hypoplasia; Mental retardation , X-linked, with creatine transport deficiency; X-linked creatine transporter deficiency; X-linked creatine deficiency syndrome; CEREBRAL CREATINE DEFICIENCY SYNDROME 1. Identifiers: Orphanet 52503, MedGen C1845862, MONDO:0010305, OMIM 300352.
Inborn genetic diseases. Identifiers: MedGen C0950123, MeSH D030342.
Creatine deficiency syndrome 1.

Allele frequency attached by ClinVar (database versions not stated): TOPMed 0.00023; 1000 Genomes Project 0.00026; ESP Exome Variant Server 0.00029; gnomAD 0.00030 and 0.00032; gnomAD exomes 0.00033 and 0.00049; ExAC 0.00007; 1000 Genomes Project 30x 0.00021.
gnomAD v4.1: 538 of 1,166,022 alleles (0.046%); highest among the groups gnomAD compares: Non-Finnish European, 0.055%; 1 homozygote.

Submissions (9):

ClinGen Cerebral Creatine Deficiency Syndromes Variant Curation Expert Panel, ClinGen
Classification: Benign for Creatine transporter deficiency. Last evaluated: 2023-02-23. Review status: reviewed by expert panel. Criteria: ClinGen_CCDS_ACMG_Specifications_SLC6A8_v1.1. Collection method: curation. Allele origin: germline.
Comment: The NM_005629.4(SLC6A8):c.1162G>A (p.Ala388Thr) variant in SLC6A8 is a missense variant predicted to cause substitution of Threonine for Alanine at amino acid 338 (p.Ala338Thr). There is a ClinVar entry for this variant (Variation ID:436771). This variant is found with an allele frequency of 0.003854 in gnomADv2.1.1 with 17 hemizygotes present in that population database. Given the presence of >10 hemizygotes in gnomADv2.1.1 and an allele frequency >0.002, the stand alone benign criteria BA1 is applicable for this variant. In summary, this variant meets the criteria to be classified as Benign for Creatine Transporter Deficiency based on the ACMG/AMP criteria applied, as specified by the ClinGen Cerebral Creatine Deficiency Syndromes Variant Curation Expert Panel (Specifications Version 1.1.0; ; classification approved Feb 23, 2023): BA1

Labcorp Genetics (formerly Invitae), Labcorp
Classification: Benign for Creatine transporter deficiency. Last evaluated: 2026-02-04. Review status: criteria provided, single submitter. Criteria: Invitae Variant Classification Sherloc (09022015). Collection method: clinical testing. Allele origin: germline. Not counted in ClinVar's aggregate classification.

Laboratory of Genetics, Children's Clinical University Hospital Latvia
Classification: Likely benign. Last evaluated: 2025-02-16. Review status: criteria provided, single submitter. Criteria: ACMG Guidelines, 2015. Collection method: clinical testing. Allele origin: germline. Affected: yes. Not counted in ClinVar's aggregate classification.

Blueprint Genetics
Classification: Likely benign. Last evaluated: 2024-10-08. Review status: criteria provided, single submitter. Criteria: ACMG Guidelines, 2015. Collection method: clinical testing. Allele origin: germline. Not counted in ClinVar's aggregate classification.

CeGaT Center for Human Genetics Tuebingen
Classification: Likely benign. Last evaluated: 2024-06-01. Review status: criteria provided, single submitter. Criteria: CeGaT Center For Human Genetics Tuebingen Variant Classification Criteria Version 2. Collection method: clinical testing. Allele origin: germline. Affected: yes. Observed: 5 variant alleles. Not counted in ClinVar's aggregate classification.
Comment: SLC6A8: PP2, BS2

GeneDx
Classification: Likely benign. Last evaluated: 2021-03-03. Review status: criteria provided, single submitter. Criteria: GeneDx Variant Classification Process June 2021. Collection method: clinical testing. Allele origin: germline. Affected: yes. Not counted in ClinVar's aggregate classification.
Comment: In silico analysis, which includes protein predictors and evolutionary conservation, supports a deleterious effect; This variant is associated with the following publications: (PMID: 28758966, 22281021, 26684475, 20717164, 25861866)

Ambry Genetics
Classification: Benign for Inborn genetic diseases. Last evaluated: 2019-11-05. Review status: criteria provided, single submitter. Criteria: Ambry Variant Classification Scheme 2023. Collection method: clinical testing. Allele origin: germline. Not counted in ClinVar's aggregate classification.

Genetic Services Laboratory, University of Chicago
Classification: Uncertain significance. Last evaluated: 2016-02-22. Review status: criteria provided, single submitter. Criteria: ACMG Guidelines, 2015. Collection method: clinical testing. Allele origin: germline. Affected: no. Not counted in ClinVar's aggregate classification.

Natera, Inc.
Classification: Likely benign for Creatine deficiency syndrome 1. Last evaluated: 2020-01-24. Review status: no assertion criteria provided. Collection method: clinical testing. Allele origin: germline. Not counted in ClinVar's aggregate classification.

NM_005629.4(SLC6A8):c.1162G>A (p.Ala388Thr)

Gene: SLC6A8 (solute carrier family 6 member 8; plus strand). Cytogenetic location: Xq28.
Variant type: single nucleotide variant.
Coding change: c.1162G>A on transcript NM_005629.4 (MANE Select); coding-DNA position 1162, G replaced by A.
Protein change: p.Ala388Thr; replaces alanine 388 with threonine.
Molecular consequence: missense variant.
Genome position (GRCh38, 1-based): chrX:153,693,925, G>A. VCF-style: chrX-153693925-G-A. GRCh37 (hg19) VCF-style: chrX-152959380-G-A.
Other names: NM_005629.4(SLC6A8):c.1162G>A; p.Ala388Thr; c.1132G>A, p.Ala378Thr (NM_001142805.2); c.817G>A, p.Ala273Thr (NM_001142806.1); short protein forms A388T, A378T, A273T.
Identifiers: ClinVar variation 436771 (VCV000436771.63), dbSNP rs374163604, ClinGen allele CA10549443.